The following is an entry in ClinVar:

NM_001288705.3(CSF1R):c.1449C>T (p.Tyr483=)

Gene: CSF1R (colony stimulating factor 1 receptor; minus strand). Cytogenetic location: 5q32.
Variant type: single nucleotide variant.
Coding change: c.1449C>T on transcript NM_001288705.3 (MANE Select); coding-DNA position 1449, C replaced by T.
Protein change: p.Tyr483=; no amino-acid change (tyrosine 483 retained).
Molecular consequence: synonymous variant. On other transcripts: non-coding transcript variant (2).
Genome position (GRCh38, 1-based): chr5:150,069,934, G>A on the plus strand (C>T on the coding strand, the complement: CSF1R is on the minus strand). VCF-style: chr5-150069934-G-A. GRCh37 (hg19) VCF-style: chr5-149449497-G-A.
Other names: c.1449C>T, p.Tyr483= (NM_001349736.2, NM_001375320.1, NM_005211.4); c.1005C>T, p.Tyr335= (NM_001375321.1).
Identifiers: ClinVar variation 1643234 (VCV001643234.13), dbSNP rs762942647, ClinGen allele CA3506847.

ClinVar aggregate classification (germline): Likely benign. Review status: criteria provided, multiple submitters, no conflicts (2 of 4 stars). 3 submissions from 3 submitters: Likely benign (3). Last evaluated 2026-01-01.

Allele frequency attached by ClinVar (database versions not stated): ExAC 0.00002; gnomAD exomes 0.00002 and 0.00005; TOPMed 0.00002; gnomAD 0.00003 and 0.00004.
gnomAD v4.1: 70 of 1,613,970 alleles (0.0043%); highest among the groups gnomAD compares: East Asian, 0.011%; no homozygotes.

Submissions (3):

CeGaT Center for Human Genetics Tuebingen
Classification: Likely benign. Last evaluated: 2026-01-01. Review status: criteria provided, single submitter. Criteria: CeGaT Center For Human Genetics Tuebingen Variant Classification Criteria Version 2. Collection method: clinical testing. Allele origin: germline. Affected: yes. Observed: 1 variant allele.
Comment: CSF1R: BP4, BP7

Labcorp Genetics (formerly Invitae), Labcorp
Classification: Likely benign. Last evaluated: 2025-03-30. Review status: criteria provided, single submitter. Criteria: Invitae Variant Classification Sherloc (09022015). Collection method: clinical testing. Allele origin: germline.

Blueprint Genetics
Classification: Likely benign. Last evaluated: 2024-09-02. Review status: criteria provided, single submitter. Criteria: ACMG Guidelines, 2015. Collection method: clinical testing. Allele origin: germline.